The following is an entry in ClinVar:

ClinVar aggregate classification (germline): Uncertain significance (1 of 4 stars; one submission).

Conditions:
Agammaglobulinemia 3, autosomal recessive (AGM3). Also called: AGAMMAGLOBULINEMIA 3; AGAMMAGLOBULINEMIA, AUTOSOMAL RECESSIVE, DUE TO CD79A DEFECT. Identifiers: MedGen C3150751, MONDO:0013288, OMIM 613501.

Allele frequency attached by ClinVar (database versions not stated): gnomAD exomes below 0.00001 and 0.00001; TOPMed below 0.00001; ExAC 0.00001; gnomAD 0.00001.
gnomAD v4.1: 15 of 1,613,882 alleles (0.00093%); highest among the groups gnomAD compares: Admixed American, 0.0033%; no homozygotes.

Submission:

Labcorp Genetics (formerly Invitae), Labcorp
Classification: Uncertain significance for Agammaglobulinemia 3, autosomal recessive. Last evaluated: 2021-08-27. Review status: criteria provided, single submitter. Criteria: Invitae Variant Classification Sherloc (09022015). Collection method: clinical testing. Allele origin: germline.
Comment: This sequence change replaces alanine with threonine at codon 62 of the CD79A protein (p.Ala62Thr). The alanine residue is weakly conserved and there is a small physicochemical difference between alanine and threonine. This variant is present in population databases (rs782467376, ExAC 0.002%). This variant has not been reported in the literature in individuals affected with CD79A-related conditions. Algorithms developed to predict the effect of missense changes on protein structure and function output the following: SIFT: "Tolerated"; PolyPhen-2: "Benign"; Align-GVGD: "Class C0". The threonine amino acid residue is found in multiple mammalian species, which suggests that this missense change does not adversely affect protein function. In summary, the available evidence is currently insufficient to determine the role of this variant in disease. Therefore, it has been classified as a Variant of Uncertain Significance.

NM_001783.4(CD79A):c.184G>A (p.Ala62Thr)

Genes: CD79A (CD79a molecule; plus strand), RPS19-CD79A (RPS19-CD79A readthrough; plus strand). Cytogenetic location: 19q13.2.
Variant type: single nucleotide variant.
Coding change: c.184G>A on transcript NM_001783.4 (MANE Select); coding-DNA position 184, G replaced by A.
Protein change: p.Ala62Thr; replaces alanine 62 with threonine.
Molecular consequence: missense variant.
Genome position (GRCh38, 1-based): chr19:41,879,094, G>A. VCF-style: chr19-41879094-G-A. GRCh37 (hg19) VCF-style: chr19-42383164-G-A.
Other names: c.184G>A, p.Ala62Thr (NM_021601.4); short protein forms A62T.
Identifiers: ClinVar variation 835246 (VCV000835246.7), dbSNP rs782467376, ClinGen allele CA9465533.